The following is an entry in ClinVar:

NM_138694.4(PKHD1):c.8308del (p.Thr2770fs)

Gene: PKHD1 (PKHD1 ciliary IPT domain containing fibrocystin/polyductin; minus strand). Cytogenetic location: 6p12.3.
Variant type: Deletion.
Coding change: c.8308del on transcript NM_138694.4 (MANE Select); coding-DNA position 8308, one base deleted (A; older notation c.8308delA).
Protein change: p.Thr2770fs; shifts the reading frame from threonine 2770.
Molecular consequence: frameshift variant.
Genome position (GRCh38, 1-based): chr6:51,791,368, T deleted on the plus strand (A on the coding strand, the reverse complement: PKHD1 is on the minus strand); the first of 2 consecutive T bases (chr6:51,791,368-51,791,369); deleting either gives the same sequence. VCF-style (leftmost placement, unchanged base first): chr6-51791367-GT-G. GRCh37 (hg19) VCF-style: chr6-51656165-GT-G.
Other names: c.8308del, p.Thr2770fs (NM_170724.3); short protein forms T2770fs.
Identifiers: ClinVar variation 5013285 (VCV005013285.1).

ClinVar aggregate classification (germline): Pathogenic (1 of 4 stars; one submission).

Conditions:
Polycystic kidney disease 4 (PKD4). Also called: POLYCYSTIC KIDNEY AND HEPATIC DISEASE 1; POLYCYSTIC KIDNEY DISEASE, INFANTILE, TYPE I; POLYCYSTIC KIDNEY DISEASE 4 WITH OR WITHOUT POLYCYSTIC LIVER DISEASE; PKD3; Autosomal Recessive Polycystic Kidney Disease – PKHD1. Identifiers: MedGen C4540575, MONDO:0033004, OMIM 263200.

Submission:

Myriad Genetics, Inc.
Classification: Pathogenic for Polycystic kidney disease 4. Last evaluated: 2024-07-05. Review status: criteria provided, single submitter. Criteria: Myriad Autosomal Dominant, Autosomal Recessive and X-Linked Classification Criteria (2023). Collection method: clinical testing. Allele origin: unknown.
Comment: NM_138694.3(PKHD1):c.8308delA(T2770Lfs*16) is expected to be pathogenic in the context of autosomal recessive polycystic kidney disease, PKHD1-related. This variant is predicted to lead to an abnormal or absent protein product due to the creation of a premature termination codon in PKHD1, a gene where loss-of-function variants are known to be pathogenic. Please note: this variant was assessed in the context of healthy population screening.